The following is an entry in ClinVar:

ClinVar aggregate classification (germline): Conflicting classifications of pathogenicity. Review status: criteria provided, conflicting classifications (1 of 4 stars). 2 submissions from 2 submitters: Uncertain significance (1); Likely benign (1). Last evaluated 2023-05-08.

Conditions:
Severe combined immunodeficiency due to DNA-PKcs deficiency. Also called: IMMUNODEFICIENCY 26 WITH NEUROLOGIC ABNORMALITIES; Immunodeficiency 26 with or without neurologic abnormalities. Identifiers: Orphanet 317425, MedGen C4014833, MONDO:0014423, OMIM 615966.

Allele frequency attached by ClinVar (database versions not stated): gnomAD exomes below 0.00001 and 0.00001; ExAC 0.00001; gnomAD 0.00001; TOPMed 0.00001; 1000 Genomes Project 30x 0.00016; 1000 Genomes Project 0.00020.
gnomAD v4.1: 17 of 1,613,980 alleles (0.0011%); highest among the groups gnomAD compares: Admixed American, 0.023%; no homozygotes.

Submissions (2):

Blueprint Genetics
Classification: Likely benign. Last evaluated: 2023-05-08. Review status: criteria provided, single submitter. Criteria: ACMG Guidelines, 2015. Collection method: clinical testing. Allele origin: germline.

Labcorp Genetics (formerly Invitae), Labcorp
Classification: Uncertain significance for Severe combined immunodeficiency due to DNA-PKcs deficiency. Last evaluated: 2022-09-26. Review status: criteria provided, single submitter. Criteria: Invitae Variant Classification Sherloc (09022015). Collection method: clinical testing. Allele origin: germline.
Comment: This variant is present in population databases (rs544730211, gnomAD 0.003%). This sequence change replaces alanine, which is neutral and non-polar, with aspartic acid, which is acidic and polar, at codon 1393 of the PRKDC protein (p.Ala1393Asp). This variant has not been reported in the literature in individuals affected with PRKDC-related conditions. ClinVar contains an entry for this variant (Variation ID: 541994). Algorithms developed to predict the effect of missense changes on protein structure and function output the following: SIFT: "Not Available"; PolyPhen-2: "Not Available"; Align-GVGD: "Not Available". The aspartic acid amino acid residue is found in multiple mammalian species, which suggests that this missense change does not adversely affect protein function. In summary, the available evidence is currently insufficient to determine the role of this variant in disease. Therefore, it has been classified as a Variant of Uncertain Significance.

NM_006904.7(PRKDC):c.4178C>A (p.Ala1393Asp)

Gene: PRKDC (protein kinase, DNA-activated, catalytic subunit; minus strand). Cytogenetic location: 8q11.21.
Variant type: single nucleotide variant.
Coding change: c.4178C>A on transcript NM_006904.7 (MANE Select); coding-DNA position 4178, C replaced by A.
Protein change: p.Ala1393Asp; replaces alanine 1393 with aspartic acid.
Molecular consequence: missense variant.
Genome position (GRCh38, 1-based): chr8:47,889,116, G>T on the plus strand (C>A on the coding strand, the complement: PRKDC is on the minus strand). VCF-style: chr8-47889116-G-T. GRCh37 (hg19) VCF-style: chr8-48801677-G-T.
Other names: c.4178C>A, p.Ala1393Asp (NM_001081640.2); short protein forms A1393D.
Identifiers: ClinVar variation 541994 (VCV000541994.7), dbSNP rs544730211, ClinGen allele CA4740984.